The following is an entry in ClinVar:

NM_018129.4(PNPO):c.304T>G (p.Phe102Val)

Gene: PNPO (pyridoxamine 5'-phosphate oxidase; plus strand). Cytogenetic location: 17q21.32.
Variant type: single nucleotide variant.
Coding change: c.304T>G on transcript NM_018129.4 (MANE Select); coding-DNA position 304, T replaced by G.
Protein change: p.Phe102Val; replaces phenylalanine 102 with valine.
Molecular consequence: missense variant.
Genome position (GRCh38, 1-based): chr17:47,944,656, T>G. VCF-style: chr17-47944656-T-G. GRCh37 (hg19) VCF-style: chr17-46022022-T-G.
Other names: short protein forms F102V.
Identifiers: ClinVar variation 2049702 (VCV002049702.4), dbSNP rs2509291888, ClinGen allele CA400057043.
Genomic context (GRCh38, chr17:47,944,656, plus strand): 5'-GCTCTGCTCTTTGCTCCTAGAGATGGAAAACCCTCTGCTCGCATGTTGCTGCTGAAGGGC[T>G]TCGGGAAAGATGGCTTCCGCTTCTTCACTAACTTCGAGAGTCGAAAAGGAAAAGAGCTGG-3'
Protein context (NP_060599.1, residues 92-112): PSARMLLLKG[Phe102Val]GKDGFRFFTN

ClinVar aggregate classification (germline): Uncertain significance (1 of 4 stars; one submission).

Conditions:
Pyridoxal phosphate-responsive seizures (PNPOD). Also called: Pyridoxamine 5-Prime-Phosphate Oxidase Deficiency; Pyridoxine-5'-phosphate oxidase deficiency; EPILEPTIC ENCEPHALOPATHY, NEONATAL, PNPO-RELATED; SEIZURES, PYRIDOXINE-RESISTANT, PLP-SENSITIVE; Pyridoxal 5'-Phosphate (PLP)-Dependent Epilepsy. Identifiers: Orphanet 79096, MedGen C1864723, MONDO:0012407, OMIM 610090. Disease mechanism: loss of function.

Submission:

Labcorp Genetics (formerly Invitae), Labcorp
Classification: Uncertain significance for Pyridoxal phosphate-responsive seizures. Last evaluated: 2021-12-20. Review status: criteria provided, single submitter. Criteria: Invitae Variant Classification Sherloc (09022015). Collection method: clinical testing. Allele origin: germline.
Comment: This variant has not been reported in the literature in individuals affected with PNPO-related conditions. Algorithms developed to predict the effect of missense changes on protein structure and function (SIFT, PolyPhen-2, Align-GVGD) all suggest that this variant is likely to be tolerated. In summary, the available evidence is currently insufficient to determine the role of this variant in disease. Therefore, it has been classified as a Variant of Uncertain Significance. This variant is not present in population databases (gnomAD no frequency). This sequence change replaces phenylalanine, which is neutral and non-polar, with valine, which is neutral and non-polar, at codon 102 of the PNPO protein (p.Phe102Val).